The following is an entry in ClinVar:

NM_004260.4(RECQL4):c.2662C>T (p.Gln888Ter)

Gene: RECQL4 (RecQ like helicase 4; minus strand). Cytogenetic location: 8q24.3.
Variant type: single nucleotide variant.
Coding change: c.2662C>T on transcript NM_004260.4 (MANE Select); coding-DNA position 2662, C replaced by T.
Protein change: p.Gln888Ter; replaces glutamine 888 with a stop codon.
Molecular consequence: nonsense.
Genome position (GRCh38, 1-based): chr8:144,512,940, G>A on the plus strand (C>T on the coding strand, the complement: RECQL4 is on the minus strand). VCF-style: chr8-144512940-G-A. GRCh37 (hg19) VCF-style: chr8-145738323-G-A.
Other names: short protein forms Q888*.
Identifiers: ClinVar variation 666165 (VCV000666165.11), dbSNP rs1406641581, ClinGen allele CA372675504.

ClinVar aggregate classification (germline): Pathogenic/Likely pathogenic. Review status: criteria provided, multiple submitters, no conflicts (2 of 4 stars). 5 submissions from 5 submitters: Pathogenic (4); Likely pathogenic (1). Last evaluated 2024-10-28.

Conditions:
RECQL4-related disorder. Also called: RECQL4-related disorders; RECQL4-related condition.
Rothmund-Thomson syndrome type 2 (RTS2). Identifiers: Orphanet 221016, MedGen C5203410, MONDO:0016369, OMIM 268400.
Baller-Gerold syndrome (BGS). Also called: CRANIOSYNOSTOSIS WITH RADIAL DEFECTS. Identifiers: Orphanet 1225, MedGen C0265308, MONDO:0009039, OMIM 218600.
Rapadilino syndrome. Identifiers: Orphanet 3021, MedGen C1849453, MONDO:0009955, OMIM 266280.

Allele frequency attached by ClinVar (database versions not stated): gnomAD 0.00001; gnomAD exomes 0.00001; TOPMed 0.00008.

Submissions (5):

PreventionGenetics, part of Exact Sciences
Classification: Pathogenic for RECQL4-related condition. Last evaluated: 2024-10-28. Review status: criteria provided, single submitter. Criteria: ACMG Guidelines, 2015. Collection method: clinical testing. Allele origin: germline.
Comment: The RECQL4 c.2662C>T variant is predicted to result in premature protein termination (p.Gln888*). This variant has been reported in the compound heterozygous state in an individual with Rothmund-Thomson syndrome (Jin et al. 2008. PubMed ID: 18504617). This variant has also been reported in individuals with renal cell carcinoma, astrocytoma, osteosarcoma, congenital heart disease, chronic lympocytic leukemia, and neuroblastoma (eTable 5, Carlo et al. 2018. PubMed ID: 29978187; Muskens et al. 2020. PubMed ID: 31970404; eTable 5, Mirabello et al. 2020. PubMed ID: 32191290; Morton et al. 2021. PubMed ID: 33084842; supplementary table 2, Mosquera Orgueira et al. 2021. PubMed ID: 33809641; Dangoni et al. 2024. PubMed ID: 38182823). This variant has not been reported in a large population database (gnomAD), indicating this variant is rare. Nonsense variants in RECQL4 are expected to be pathogenic. This variant is interpreted as pathogenic.

Labcorp Genetics (formerly Invitae), Labcorp
Classification: Pathogenic for Baller-Gerold syndrome. Last evaluated: 2024-08-12. Review status: criteria provided, single submitter. Criteria: Invitae Variant Classification Sherloc (09022015). Collection method: clinical testing. Allele origin: germline.
Comment: This sequence change creates a premature translational stop signal (p.Gln888*) in the RECQL4 gene. It is expected to result in an absent or disrupted protein product. Loss-of-function variants in RECQL4 are known to be pathogenic (PMID: 12734318, 12952869). This variant is not present in population databases (gnomAD no frequency). This premature translational stop signal has been observed in individual(s) with Rothmund-Thomson syndrome (PMID: 28486640). ClinVar contains an entry for this variant (Variation ID: 666165). For these reasons, this variant has been classified as Pathogenic.

GeneDx
Classification: Likely pathogenic. Last evaluated: 2023-02-17. Review status: criteria provided, single submitter. Criteria: GeneDx Variant Classification Process June 2021. Collection method: clinical testing. Allele origin: germline. Affected: yes.
Comment: Identified along with a second RECQL4 variant in a patient with Rothmund-Thomson syndrome (Jin et al., 2008); Nonsense variant predicted to result in protein truncation or nonsense mediated decay in a gene for which loss of function is a known mechanism of disease; Not observed at significant frequency in large population cohorts (gnomAD); This variant is associated with the following publications: (PMID: 18504617, 33084842, 31970404, 29978187, 33809641, 34654685)

Fulgent Genetics
Classification: Pathogenic for Baller-Gerold syndrome; Rapadilino syndrome; Rothmund-Thomson syndrome type 2. Last evaluated: 2022-05-04. Review status: criteria provided, single submitter. Criteria: ACMG Guidelines, 2015. Collection method: clinical testing. Allele origin: unknown.

Blueprint Genetics
Classification: Pathogenic for RECQL4-related disorders. Last evaluated: 2020-04-14. Review status: criteria provided, single submitter. Criteria: ACMG Guidelines, 2015. Collection method: clinical testing. Allele origin: germline. Affected: yes. Observed: 2 variant alleles.

Literature cited by the submitters: PubMed 12734318 (cited by Labcorp Genetics (formerly Invitae), Labcorp); PubMed 12952869 (cited by Labcorp Genetics (formerly Invitae), Labcorp); PubMed 28486640 (cited by Labcorp Genetics (formerly Invitae), Labcorp).